The following is an entry in ClinVar:

NM_001283009.2(RTEL1):c.2884C>G (p.Gln962Glu)

Genes: RTEL1-TNFRSF6B (RTEL1-TNFRSF6B readthrough (NMD candidate); plus strand), RTEL1 (regulator of telomere elongation helicase 1; plus strand). Cytogenetic location: 20q13.33.
Variant type: single nucleotide variant.
Coding change: c.2884C>G on transcript NM_001283009.2 (MANE Select); coding-DNA position 2884, C replaced by G.
Protein change: p.Gln962Glu; replaces glutamine 962 with glutamic acid.
Molecular consequence: missense variant. On other transcripts: non-coding transcript variant (1).
Genome position (GRCh38, 1-based): chr20:63,693,175, C>G. VCF-style: chr20-63693175-C-G. GRCh37 (hg19) VCF-style: chr20-62324528-C-G.
Other names: c.2215C>G, p.Gln739Glu (NM_001283010.1); c.2884C>G, p.Gln962Glu (NM_016434.4); c.2956C>G, p.Gln986Glu (NM_032957.5); short protein forms Q962E, Q986E, Q739E.
Identifiers: ClinVar variation 1929160 (VCV001929160.6), dbSNP rs2517169572, ClinGen allele CA409683236.

ClinVar aggregate classification (germline): Conflicting classifications of pathogenicity. Review status: criteria provided, conflicting classifications (1 of 4 stars). 2 submissions from 2 submitters: Uncertain significance (1); Likely benign (1). Last evaluated 2026-06-13.

Conditions:
Inborn genetic diseases. Identifiers: MedGen C0950123, MeSH D030342.
Pulmonary fibrosis and/or bone marrow failure, Telomere-related, 3. Also called: PULMONARY FIBROSIS AND/OR BONE MARROW FAILURE SYNDROME, TELOMERE-RELATED, 3. Identifiers: Orphanet 2032, MedGen C4225346, MONDO:0014613, OMIM 616373.
Dyskeratosis congenita, autosomal recessive 5 (DKCB5). Identifiers: MedGen C3554656, MONDO:0014076, OMIM 615190.

gnomAD v4.1: 1 of 1,612,206 alleles (0.000062%); highest among the groups gnomAD compares: Non-Finnish European, 0.000085%; no homozygotes.

Submissions (2):

Ambry Genetics
Classification: Likely benign for Inborn genetic diseases. Last evaluated: 2026-06-13. Review status: criteria provided, single submitter. Criteria: Ambry Variant Classification Scheme 2023. Collection method: clinical testing. Allele origin: germline.

Labcorp Genetics (formerly Invitae), Labcorp
Classification: Uncertain significance for Dyskeratosis congenita, autosomal recessive 5; Pulmonary fibrosis and/or bone marrow failure, Telomere-related, 3. Last evaluated: 2022-02-09. Review status: criteria provided, single submitter. Criteria: Invitae Variant Classification Sherloc (09022015). Collection method: clinical testing. Allele origin: germline.
Comment: This sequence change replaces glutamine, which is neutral and polar, with glutamic acid, which is acidic and polar, at codon 962 of the RTEL1 protein (p.Gln962Glu). This variant is not present in population databases (gnomAD no frequency). This variant has not been reported in the literature in individuals affected with RTEL1-related conditions. Algorithms developed to predict the effect of missense changes on protein structure and function output the following: SIFT: "Tolerated"; PolyPhen-2: "Benign"; Align-GVGD: "Class C0". The glutamic acid amino acid residue is found in multiple mammalian species, which suggests that this missense change does not adversely affect protein function. In summary, the available evidence is currently insufficient to determine the role of this variant in disease. Therefore, it has been classified as a Variant of Uncertain Significance.